The following is an entry in ClinVar:

ClinVar aggregate classification (germline): Uncertain significance. Review status: criteria provided, multiple submitters, no conflicts (2 of 4 stars). 4 submissions from 4 submitters: Uncertain significance (3). 1 of the submissions does not count toward it. Last evaluated 2026-05-01.

Conditions:
Inborn genetic diseases. Identifiers: MedGen C0950123, MeSH D030342.
SPTBN4-related disorder. Also called: SPTBN4-related condition.

Allele frequency attached by ClinVar (database versions not stated): ESP Exome Variant Server 0.00008.
gnomAD v4.1: 80 of 1,613,662 alleles (0.005%); highest among the groups gnomAD compares: Non-Finnish European, 0.0063%; no homozygotes.

Submissions (4):

CeGaT Center for Human Genetics Tuebingen
Classification: Uncertain significance. Last evaluated: 2026-05-01. Review status: criteria provided, single submitter. Criteria: CeGaT Center For Human Genetics Tuebingen Variant Classification Criteria Version 2. Collection method: clinical testing. Allele origin: germline. Affected: yes. Observed: 2 variant alleles.
Comment: SPTBN4: PM2

GeneDx
Classification: Uncertain significance. Last evaluated: 2025-09-11. Review status: criteria provided, single submitter. Criteria: GeneDx Variant Classification Process June 2021. Collection method: clinical testing. Allele origin: germline.
Comment: Not observed at significant frequency in large population cohorts (gnomAD); In silico analysis suggests that this missense variant does not alter protein structure/function; Has not been previously published as pathogenic or benign to our knowledge

Ambry Genetics
Classification: Uncertain significance for Inborn genetic diseases. Last evaluated: 2024-12-24. Review status: criteria provided, single submitter. Criteria: Ambry Variant Classification Scheme 2023. Collection method: clinical testing. Allele origin: germline.

PreventionGenetics, part of Exact Sciences
Classification: Uncertain significance for SPTBN4-related condition. Last evaluated: 2024-01-24. Review status: no assertion criteria provided. Collection method: clinical testing. Allele origin: germline. Not counted in ClinVar's aggregate classification.
Comment: The SPTBN4 c.679G>A variant is predicted to result in the amino acid substitution p.Val227Met. To our knowledge, this variant has not been reported in the literature. This variant is reported in 0.0054% of alleles in individuals of European (Non-Finnish) descent in gnomAD. At this time, the clinical significance of this variant is uncertain due to the absence of conclusive functional and genetic evidence.

NM_020971.3(SPTBN4):c.679G>A (p.Val227Met)

Gene: SPTBN4 (spectrin beta, non-erythrocytic 4; plus strand). Cytogenetic location: 19q13.2.
Variant type: single nucleotide variant.
Coding change: c.679G>A on transcript NM_020971.3 (MANE Select); coding-DNA position 679, G replaced by A.
Protein change: p.Val227Met; replaces valine 227 with methionine.
Molecular consequence: missense variant.
Genome position (GRCh38, 1-based): chr19:40,497,499, G>A. VCF-style: chr19-40497499-G-A. GRCh37 (hg19) VCF-style: chr19-41003406-G-A.
Other names: c.679G>A (NM_020971.2); short protein forms V227M.
Identifiers: ClinVar variation 1694916 (VCV001694916.35), dbSNP rs376321398, ClinGen allele CA9445411.